The following is an entry in ClinVar:

ClinVar aggregate classification (germline): Uncertain significance. Review status: criteria provided, multiple submitters, no conflicts (2 of 4 stars). 2 submissions from 2 submitters: Uncertain significance (2). Last evaluated 2026-01-17.

Conditions:
Lethal multiple pterygium syndrome (LMPS). Identifiers: Orphanet 33108, MedGen C1854678, MONDO:0009668, OMIM 253290.

Allele frequency attached by ClinVar (database versions not stated): gnomAD exomes below 0.00001 and 0.00001; TOPMed 0.00005; ExAC 0.00002; gnomAD 0.00006; ESP Exome Variant Server 0.00008.
gnomAD v4.1: 16 of 1,614,044 alleles (0.00099%); highest among the groups gnomAD compares: African/African-American, 0.015%; no homozygotes.

Submissions (2):

Labcorp Genetics (formerly Invitae), Labcorp
Classification: Uncertain significance for Lethal multiple pterygium syndrome. Last evaluated: 2026-01-17. Review status: criteria provided, single submitter. Criteria: Invitae Variant Classification Sherloc (09022015). Collection method: clinical testing. Allele origin: germline.
Comment: This sequence change replaces histidine, which is basic and polar, with tyrosine, which is neutral and polar, at codon 319 of the CHRNA1 protein (p.His319Tyr). This variant is present in population databases (rs150110639, gnomAD 0.02%). This variant has not been reported in the literature in individuals affected with CHRNA1-related conditions. ClinVar contains an entry for this variant (Variation ID: 951551). Invitae Evidence Modeling of protein sequence and biophysical properties (such as structural, functional, and spatial information, amino acid conservation, physicochemical variation, residue mobility, and thermodynamic stability) indicates that this missense variant is not expected to disrupt CHRNA1 protein function with a negative predictive value of 80%. In summary, the available evidence is currently insufficient to determine the role of this variant in disease. Therefore, it has been classified as a Variant of Uncertain Significance.

Dasa
Classification: Uncertain significance. Last evaluated: 2025-11-01. Review status: criteria provided, single submitter. Criteria: DASA Assertion Criteria. Collection method: clinical testing. Allele origin: germline.
Comment: NM_000079.4(CHRNA1):c.955C>T (p.His319Tyr) is a missense variant that results in the substitution of histidine with tyrosine. This variant is rare in population databases. Computational prediction algorithms are consistent with a deleterious effect. The currently available literature and clinical evidence are not sufficient to establish a definitive association between this variant and the reported condition. Therefore, this variant is classified as a variant of uncertain significance.

NM_000079.4(CHRNA1):c.955C>T (p.His319Tyr)

Gene: CHRNA1 (cholinergic receptor nicotinic alpha 1 subunit; minus strand). Cytogenetic location: 2q31.1.
Variant type: single nucleotide variant.
Coding change: c.955C>T on transcript NM_000079.4 (MANE Select); coding-DNA position 955, C replaced by T.
Protein change: p.His319Tyr; replaces histidine 319 with tyrosine.
Molecular consequence: missense variant.
Genome position (GRCh38, 1-based): chr2:174,749,993, G>A on the plus strand (C>T on the coding strand, the complement: CHRNA1 is on the minus strand). VCF-style: chr2-174749993-G-A. GRCh37 (hg19) VCF-style: chr2-175614721-G-A.
Other names: c.1030C>T, p.His344Tyr (NM_001039523.3); short protein forms H344Y, H319Y.
Identifiers: ClinVar variation 951551 (VCV000951551.11), dbSNP rs150110639, ClinGen allele CA1974418.
Genomic context (GRCh38, chr2:174,749,993, plus strand): 5'-CCTCCCCACTCACCTTCCGCACCCAGTTGGGCATGACATGGGTGCTGGGTGAGCGGTGGT[G>A]TGTGTTGATGACGATGACAGTGATGATGATGGAGGCAATGACGAACACCATGGTGAACAG-3'
Protein context (NP_000070.1, residues 309-329): IIITVIVINT[His319Tyr]HRSPSTHVMP